The following is an entry in ClinVar:

NM_000463.3(UGT1A1):c.72dup (p.Ser25fs)

Genes: UGT1A (UDP glucuronosyltransferase family 1 member A complex locus; plus strand), UGT1A1 (UDP glucuronosyltransferase family 1 member A1; plus strand), UGT1A10 (UDP glucuronosyltransferase family 1 member A10; plus strand), UGT1A3 (UDP glucuronosyltransferase family 1 member A3; plus strand), UGT1A4 (UDP glucuronosyltransferase family 1 member A4; plus strand) and 5 more. Cytogenetic location: 2q37.1.
Variant type: Duplication.
Coding change: c.72dup on transcript NM_000463.3 (MANE Select); coding-DNA position 72, one base duplicated (G; older notation c.72dupG).
Protein change: p.Ser25fs; shifts the reading frame from serine 25.
Molecular consequence: frameshift variant. On other transcripts: intron variant (9).
Genome position (GRCh38, 1-based): chr2:233,760,359, G duplicated. VCF-style (leftmost placement, unchanged base first): chr2-233760358-T-TG. GRCh37 (hg19) VCF-style: chr2-234669004-T-TG.
Other names: c.856-6675dup (NM_019076.5, NM_019075.4, NM_021027.3 and 1 more transcripts); c.61-6675dup (NM_205862.3); c.862-6675dup (NM_001072.4); c.868-6675dup (NM_019078.2, NM_007120.3, NM_019093.4); c.72dupG (NM_000463.2); short protein forms S25fs.
Identifiers: ClinVar variation 1458334 (VCV001458334.8), dbSNP rs2125983046, ClinGen allele CA2573135610.

ClinVar aggregate classification (germline): Conflicting classifications of pathogenicity. Review status: criteria provided, conflicting classifications (1 of 4 stars). 2 submissions from 2 submitters: Pathogenic (1); Uncertain significance (1). Last evaluated 2025-07-04.

Conditions:
UGT1A1-related disorder. Also called: UGT1A1-related disorders; UGT1A1-related condition.

Submissions (2):

PreventionGenetics, part of Exact Sciences
Classification: Uncertain significance for UGT1A1-related condition. Last evaluated: 2025-07-04. Review status: criteria provided, single submitter. Criteria: ACMG Guidelines, 2015. Collection method: clinical testing. Allele origin: germline.
Comment: The UGT1A1 c.72dupG variant is predicted to result in a frameshift and premature protein termination (p.Ser25Valfs*32). To our knowledge, this variant has not been reported in the literature or a large population database (gnomAD), indicating it is rare. Only a couple of loss-of-function variants that occur in this region of the gene (c.55_76dup, c.80_93del) have been reported in the literature or in ClinVar (Skierka et al. 2013. PubMed ID: 23290513; Valmiki et al. 2020. PubMed ID: 32143638; ClinVar ID: 1325329). Although we suspect that this variant may be pathogenic, at this time, the clinical significance of this variant is uncertain due to the absence of conclusive functional and genetic evidence.

Labcorp Genetics (formerly Invitae), Labcorp
Classification: Pathogenic. Last evaluated: 2021-12-02. Review status: criteria provided, single submitter. Criteria: Invitae Variant Classification Sherloc (09022015). Collection method: clinical testing. Allele origin: germline.
Comment: This variant is not present in population databases (gnomAD no frequency). This sequence change creates a premature translational stop signal (p.Ser25Valfs*32) in the UGT1A1 gene. It is expected to result in an absent or disrupted protein product. Loss-of-function variants in UGT1A1 are known to be pathogenic (PMID: 23290513). This variant has not been reported in the literature in individuals affected with UGT1A1-related conditions. For these reasons, this variant has been classified as Pathogenic.

Literature cited by the submitters: PubMed 23290513 (cited by Labcorp Genetics (formerly Invitae), Labcorp).